The following is an entry in ClinVar:

ClinVar aggregate classification (germline): Uncertain significance (1 of 4 stars; one submission).

Submission:

Labcorp Genetics (formerly Invitae), Labcorp
Classification: Uncertain significance. Last evaluated: 2020-01-21. Review status: criteria provided, single submitter. Criteria: Invitae Variant Classification Sherloc (09022015). Collection method: clinical testing. Allele origin: germline.
Comment: Algorithms developed to predict the effect of missense changes on protein structure and function are either unavailable or do not agree on the potential impact of this missense change (SIFT: "Deleterious"; PolyPhen-2: "Benign"; Align-GVGD: "Class C0"). This sequence change replaces isoleucine with valine at codon 712 of the MSH3 protein (p.Ile712Val). The isoleucine residue is moderately conserved and there is a small physicochemical difference between isoleucine and valine. This variant is not present in population databases (ExAC no frequency). This variant has not been reported in the literature in individuals with MSH3-related disease. Algorithms developed to predict the effect of sequence changes on RNA splicing suggest that this variant may create or strengthen a splice site, but this prediction has not been confirmed by published transcriptional studies. In summary, the available evidence is currently insufficient to determine the role of this variant in disease. Therefore, it has been classified as a Variant of Uncertain Significance.

NM_002439.5(MSH3):c.2134A>G (p.Ile712Val)

Gene: MSH3 (mutS homolog 3; plus strand). Cytogenetic location: 5q14.1.
Variant type: single nucleotide variant.
Coding change: c.2134A>G on transcript NM_002439.5 (MANE Select); coding-DNA position 2134, A replaced by G.
Protein change: p.Ile712Val; replaces isoleucine 712 with valine.
Molecular consequence: missense variant.
Genome position (GRCh38, 1-based): chr5:80,768,884, A>G. VCF-style: chr5-80768884-A-G. GRCh37 (hg19) VCF-style: chr5-80064703-A-G.
Other names: short protein forms I712V.
Identifiers: ClinVar variation 662149 (VCV000662149.10), dbSNP rs1580034857, ClinGen allele CA360279342.
Genomic context (GRCh38, chr5:80,768,884, plus strand): 5'-TGATTTTTTAGAGTTGGGGATAAAACTGAATTATTTAAAGACCTTTCTGACTTCCCTTTA[A>G]TAAAAAAGAGGAAGGATGAAATTCAAGGTGTTATTGACGAGATCCGAATGCATTTGCAAG-3'
Protein context (NP_002430.3, residues 702-722): LFKDLSDFPL[Ile712Val]KKRKDEIQGV